The following is an entry in ClinVar:

ClinVar aggregate classification (germline): Uncertain significance (1 of 4 stars; one submission).

Submission:

Labcorp Genetics (formerly Invitae), Labcorp
Classification: Uncertain significance. Last evaluated: 2023-02-24. Review status: criteria provided, single submitter. Criteria: Invitae Variant Classification Sherloc (09022015). Collection method: clinical testing. Allele origin: germline.
Comment: In summary, the available evidence is currently insufficient to determine the role of this variant in disease. Therefore, it has been classified as a Variant of Uncertain Significance. Variants that disrupt the consensus splice site are a relatively common cause of aberrant splicing (PMID: 17576681, 9536098). Algorithms developed to predict the effect of sequence changes on RNA splicing suggest that this variant is not likely to affect RNA splicing. This variant has not been reported in the literature in individuals affected with IL21-related conditions. This variant is not present in population databases (gnomAD no frequency). This sequence change falls in intron 3 of the IL21 gene. It does not directly change the encoded amino acid sequence of the IL21 protein. It affects a nucleotide within the consensus splice site.

Literature cited by the submitters: PubMed 17576681; PubMed 9536098.

NM_021803.4(IL21):c.360+6A>C

Gene: IL21 (interleukin 21; minus strand). Cytogenetic location: 4q27.
Variant type: single nucleotide variant.
Coding change: c.360+6A>C on transcript NM_021803.4 (MANE Select); 6 bases into the intron after coding-DNA position 360, A replaced by C.
Molecular consequence: intron variant.
Genome position (GRCh38, 1-based): chr4:122,615,676, T>G on the plus strand (A>C on the coding strand, the complement: IL21 is on the minus strand). VCF-style: chr4-122615676-T-G. GRCh37 (hg19) VCF-style: chr4-123536831-T-G.
Other names: c.360+6A>C (NM_001207006.3).
Identifiers: ClinVar variation 2797615 (VCV002797615.3), dbSNP rs2484913493, ClinGen allele CA2739270255.
Genomic context (GRCh38, chr4:122,615,676, plus strand): 5'-GTTTATGTAATGCAAGATATATAGTTTATAAGTACAAATAAGAGAGATGACAAATGACAA[T>G]CTTACTAGTCTGTGTTTCTGTCTTCTCCCTGCATTTGTGGAAGGTGGTTTCCTCTTCAGC-3'